The following is an entry in ClinVar:

ClinVar aggregate classification (germline): Uncertain significance (1 of 4 stars; one submission).

Conditions:
Hypertrophic cardiomyopathy 1 (CMH1). Also called: Familial hypertrophic cardiomyopathy 1; MYH7-Related Familial Hypertrophic Cardiomyopathy. Identifiers: MedGen C3495498, MONDO:0008647, OMIM 192600.

gnomAD v4.1: 1 of 1,612,860 alleles (0.000062%); highest among the groups gnomAD compares: East Asian, 0.0022%; no homozygotes.

Submission:

Labcorp Genetics (formerly Invitae), Labcorp
Classification: Uncertain significance for Hypertrophic cardiomyopathy 1. Last evaluated: 2025-03-03. Review status: criteria provided, single submitter. Criteria: Invitae Variant Classification Sherloc (09022015). Collection method: clinical testing. Allele origin: germline.
Comment: This sequence change replaces alanine, which is neutral and non-polar, with valine, which is neutral and non-polar, at codon 117 of the MYLK2 protein (p.Ala117Val). This variant is not present in population databases (gnomAD no frequency). This variant has not been reported in the literature in individuals affected with MYLK2-related conditions. Invitae Evidence Modeling of protein sequence and biophysical properties (such as structural, functional, and spatial information, amino acid conservation, physicochemical variation, residue mobility, and thermodynamic stability) indicates that this missense variant is not expected to disrupt MYLK2 protein function with a negative predictive value of 80%. In summary, the available evidence is currently insufficient to determine the role of this variant in disease. Therefore, it has been classified as a Variant of Uncertain Significance.

NM_033118.4(MYLK2):c.350C>T (p.Ala117Val)

Gene: MYLK2 (myosin light chain kinase 2; plus strand). Cytogenetic location: 20q11.21.
Variant type: single nucleotide variant.
Coding change: c.350C>T on transcript NM_033118.4 (MANE Select); coding-DNA position 350, C replaced by T.
Protein change: p.Ala117Val; replaces alanine 117 with valine.
Molecular consequence: missense variant.
Genome position (GRCh38, 1-based): chr20:31,820,423, C>T. VCF-style: chr20-31820423-C-T. GRCh37 (hg19) VCF-style: chr20-30408226-C-T.
Other names: short protein forms A117V.
Identifiers: ClinVar variation 4808938 (VCV004808938.1).